The following is an entry in ClinVar:

NM_001378454.1(ALMS1):c.11259C>T (p.Ile3753=)

Gene: ALMS1 (ALMS1 centrosome and basal body associated protein; plus strand). Cytogenetic location: 2p13.1.
Variant type: single nucleotide variant.
Coding change: c.11259C>T on transcript NM_001378454.1 (MANE Select); coding-DNA position 11259, C replaced by T.
Protein change: p.Ile3753=; no amino-acid change (isoleucine 3753 retained).
Molecular consequence: synonymous variant.
Genome position (GRCh38, 1-based): chr2:73,573,136, C>T. VCF-style: chr2-73573136-C-T. GRCh37 (hg19) VCF-style: chr2-73800263-C-T.
Other names: c.11262C>T, p.Ile3754= (NM_015120.4).
Identifiers: ClinVar variation 3032184 (VCV003032184.1), dbSNP rs2466446769, ClinGen allele CA427024726.

ClinVar aggregate classification (germline): Likely benign (1 of 4 stars; one submission).

Conditions:
ALMS1-related disorder. Also called: ALMS1-related condition.

Submission:

PreventionGenetics, part of Exact Sciences
Classification: Likely benign for ALMS1-related condition. Last evaluated: 2022-10-24. Review status: criteria provided, single submitter. Criteria: ACMG Guidelines, 2015. Collection method: clinical testing. Allele origin: germline.
Comment: This variant is classified as likely benign based on ACMG/AMP sequence variant interpretation guidelines (Richards et al. 2015 PMID: 25741868, with internal and published modifications).